The following is an entry in ClinVar:

NM_001040142.2(SCN2A):c.2592G>A (p.Trp864Ter)

Gene: SCN2A (sodium voltage-gated channel alpha subunit 2; plus strand). Cytogenetic location: 2q24.3.
Variant type: single nucleotide variant.
Coding change: c.2592G>A on transcript NM_001040142.2 (MANE Select); coding-DNA position 2592, G replaced by A.
Protein change: p.Trp864Ter; replaces tryptophan 864 with a stop codon.
Molecular consequence: nonsense.
Genome position (GRCh38, 1-based): chr2:165,344,584, G>A. VCF-style: chr2-165344584-G-A. GRCh37 (hg19) VCF-style: chr2-166201094-G-A.
Other names: c.2592G>A, p.Trp864Ter (NM_001040143.2, NM_001371246.1, NM_001371247.1 and 1 more transcripts); short protein forms W864*.
Identifiers: ClinVar variation 2027562 (VCV002027562.4), dbSNP rs1553579251, ClinGen allele CA349013205.

ClinVar aggregate classification (germline): Pathogenic (1 of 4 stars; one submission).

Conditions:
Seizures, benign familial infantile, 3 (BFIS3). Also called: CONVULSIONS, BENIGN FAMILIAL INFANTILE, 3; Familial neonatal seizures. Identifiers: Orphanet 140927, Orphanet 306, MedGen C1843140, MONDO:0011904, OMIM 607745.
Developmental and epileptic encephalopathy, 11 (DEE11). Also called: Early infantile epileptic encephalopathy 11. Identifiers: Orphanet 1934, MedGen C3150987, MONDO:0013388, OMIM 613721.

Submission:

Labcorp Genetics (formerly Invitae), Labcorp
Classification: Pathogenic for Seizures, benign familial infantile, 3; Developmental and epileptic encephalopathy, 11. Last evaluated: 2022-08-28. Review status: criteria provided, single submitter. Criteria: Invitae Variant Classification Sherloc (09022015). Collection method: clinical testing. Allele origin: germline.
Comment: For these reasons, this variant has been classified as Pathogenic. This variant has not been reported in the literature in individuals affected with SCN2A-related conditions. This variant is not present in population databases (gnomAD no frequency). This sequence change creates a premature translational stop signal (p.Trp864*) in the SCN2A gene. It is expected to result in an absent or disrupted protein product. Loss-of-function variants in SCN2A are known to be pathogenic (PMID: 28379373).

Literature cited by the submitters: PubMed 28379373.